The following is an entry in ClinVar:

ClinVar aggregate classification (germline): Likely benign. Review status: criteria provided, single submitter (1 of 4 stars). 2 submissions from 2 submitters: Likely benign (1). 1 of the submissions does not count toward it. Last evaluated 2023-10-17.

Conditions:
ABCB4-related disorder. Also called: ABCB4-related disorders; ABCB4-related condition.

Allele frequency attached by ClinVar (database versions not stated): TOPMed below 0.00001; gnomAD exomes 0.00003.
gnomAD v4.1: 50 of 1,614,084 alleles (0.0031%); highest among the groups gnomAD compares: Non-Finnish European, 0.0041%; no homozygotes.

Submissions (2):

Labcorp Genetics (formerly Invitae), Labcorp
Classification: Likely benign. Last evaluated: 2023-10-17. Review status: criteria provided, single submitter. Criteria: Invitae Variant Classification Sherloc (09022015). Collection method: clinical testing. Allele origin: germline.

PreventionGenetics, part of Exact Sciences
Classification: Likely benign for ABCB4-related condition. Last evaluated: 2021-12-17. Review status: no assertion criteria provided. Collection method: clinical testing. Allele origin: germline. Not counted in ClinVar's aggregate classification.
Comment: This variant is classified as likely benign based on ACMG/AMP sequence variant interpretation guidelines (Richards et al. 2015 PMID: 25741868, with internal and published modifications).

NM_000443.4(ABCB4):c.1437G>A (p.Pro479=)

Gene: ABCB4 (ATP binding cassette subfamily B member 4; minus strand). Cytogenetic location: 7q21.12.
Variant type: single nucleotide variant.
Coding change: c.1437G>A on transcript NM_000443.4 (MANE Select); coding-DNA position 1437, G replaced by A.
Protein change: p.Pro479=; no amino-acid change (proline 479 retained).
Molecular consequence: synonymous variant.
Genome position (GRCh38, 1-based): chr7:87,440,322, C>T on the plus strand (G>A on the coding strand, the complement: ABCB4 is on the minus strand). VCF-style: chr7-87440322-C-T. GRCh37 (hg19) VCF-style: chr7-87069638-C-T.
Other names: c.1437G>A, p.Pro479= (NM_018849.3, NM_018850.3); c.1437G>A (NM_000443.3).
Identifiers: ClinVar variation 3020894 (VCV003020894.5), dbSNP rs1282059800, ClinGen allele CA456349613.